The following is an entry in ClinVar:

ClinVar aggregate classification (germline): Likely pathogenic (1 of 4 stars; one submission).

Conditions:
Joubert syndrome. Also called: CEREBELLOPARENCHYMAL DISORDER IV; JOUBERT-BOLTSHAUSER SYNDROME; Familial aplasia of the vermis. Identifiers: Orphanet 475, MedGen C5979921, MONDO:0018772.
Meckel-Gruber syndrome. Also called: DYSENCEPHALIA SPLANCHNOCYSTICA; GRUBER SYNDROME; Dysencephalia splachnocystica. Identifiers: Orphanet 564, MedGen C0265215, MONDO:0018921.

Submission:

Labcorp Genetics (formerly Invitae), Labcorp
Classification: Likely pathogenic for Joubert syndrome; Meckel-Gruber syndrome. Last evaluated: 2023-12-15. Review status: criteria provided, single submitter. Criteria: Invitae Variant Classification Sherloc (09022015). Collection method: clinical testing. Allele origin: germline.
Comment: This sequence change replaces glycine, which is neutral and non-polar, with glutamic acid, which is acidic and polar, at codon 250 of the TMEM67 protein (p.Gly250Glu). This variant is not present in population databases (gnomAD no frequency). This variant has not been reported in the literature in individuals affected with TMEM67-related conditions. Advanced modeling of protein sequence and biophysical properties (such as structural, functional, and spatial information, amino acid conservation, physicochemical variation, residue mobility, and thermodynamic stability) performed at Invitae indicates that this missense variant is expected to disrupt TMEM67 protein function with a positive predictive value of 95%. This variant disrupts the p.Gly250 amino acid residue in TMEM67. Other variant(s) that disrupt this residue have been determined to be pathogenic (PMID: 21493627, 28497568). This suggests that this residue is clinically significant, and that variants that disrupt this residue are likely to be disease-causing. In summary, the currently available evidence indicates that the variant is pathogenic, but additional data are needed to prove that conclusively. Therefore, this variant has been classified as Likely Pathogenic.

Literature cited by the submitters: PubMed 21493627; PubMed 28497568.

NM_153704.6(TMEM67):c.749G>A (p.Gly250Glu)

Gene: TMEM67 (transmembrane protein 67; plus strand). Cytogenetic location: 8q22.1.
Variant type: single nucleotide variant.
Coding change: c.749G>A on transcript NM_153704.6 (MANE Select); coding-DNA position 749, G replaced by A.
Protein change: p.Gly250Glu; replaces glycine 250 with glutamic acid.
Molecular consequence: missense variant. On other transcripts: non-coding transcript variant (1).
Genome position (GRCh38, 1-based): chr8:93,780,627, G>A. VCF-style: chr8-93780627-G-A. GRCh37 (hg19) VCF-style: chr8-94792855-G-A.
Other names: c.506G>A, p.Gly169Glu (NM_001142301.1); short protein forms G169E, G250E.
Identifiers: ClinVar variation 2941962 (VCV002941962.3), dbSNP rs2536841694, ClinGen allele CA371687761.